The following is an entry in ClinVar:

ClinVar aggregate classification (germline): Uncertain significance (1 of 4 stars; one submission).

gnomAD v4.1: 1 of 1,611,810 alleles (0.000062%); highest among the groups gnomAD compares: Non-Finnish European, 0.000085%; no homozygotes.

Submission:

Labcorp Genetics (formerly Invitae), Labcorp
Classification: Uncertain significance. Last evaluated: 2021-12-08. Review status: criteria provided, single submitter. Criteria: Invitae Variant Classification Sherloc (09022015). Collection method: clinical testing. Allele origin: germline.
Comment: In summary, the available evidence is currently insufficient to determine the role of this variant in disease. Therefore, it has been classified as a Variant of Uncertain Significance. Algorithms developed to predict the effect of missense changes on protein structure and function are either unavailable or do not agree on the potential impact of this missense change (SIFT: "Tolerated"; PolyPhen-2: "Possibly Damaging"; Align-GVGD: "Class C0"). This variant has not been reported in the literature in individuals affected with DVL3-related conditions. This variant is not present in population databases (gnomAD no frequency). This sequence change replaces alanine, which is neutral and non-polar, with glycine, which is neutral and non-polar, at codon 681 of the DVL3 protein (p.Ala681Gly).

NM_004423.4(DVL3):c.2042C>G (p.Ala681Gly)

Gene: DVL3 (dishevelled segment polarity protein 3; plus strand). Cytogenetic location: 3q27.1.
Variant type: single nucleotide variant.
Coding change: c.2042C>G on transcript NM_004423.4 (MANE Select); coding-DNA position 2042, C replaced by G.
Protein change: p.Ala681Gly; replaces alanine 681 with glycine.
Molecular consequence: missense variant.
Genome position (GRCh38, 1-based): chr3:184,170,646, C>G. VCF-style: chr3-184170646-C-G. GRCh37 (hg19) VCF-style: chr3-183888434-C-G.
Other names: short protein forms A681G.
Identifiers: ClinVar variation 2038320 (VCV002038320.4), dbSNP rs781558459, ClinGen allele CA355416643.